The following is an entry in ClinVar:

ClinVar aggregate classification (germline): Likely pathogenic. Review status: criteria provided, multiple submitters, no conflicts (2 of 4 stars). 2 submissions from 2 submitters: Likely pathogenic (2). Last evaluated 2025-07-31.

Conditions:
Ocular albinism, type I (OA1). Also called: NETTLESHIP-FALLS TYPE OCULAR ALBINISM; Ocular Albinism type 1; X-linked recessive ocular albinism; Ocular albinism, type I, Nettleship-Falls type. Identifiers: Orphanet 54, MedGen C0342684, MONDO:0021019, OMIM 300500.

Allele frequency attached by ClinVar (database versions not stated): gnomAD exomes below 0.00001.
gnomAD v4.1: 1 of 1,074,704 alleles (0.000093%); highest among the groups gnomAD compares: Non-Finnish European, 0.00012%; no homozygotes.

Submissions (2):

Women's Health and Genetics/Laboratory Corporation of America, LabCorp
Classification: Likely pathogenic for Ocular albinism, type I. Last evaluated: 2025-07-31. Review status: criteria provided, single submitter. Criteria: LabCorp Variant Classification Summary - May 2015. Collection method: clinical testing. Allele origin: germline.
Comment: Variant summary: GPR143 c.248T>C (p.Leu83Pro) results in a non-conservative amino acid change in the encoded protein sequence. Algorithms developed to predict the effect of missense changes on protein structure and function all suggest that this variant is likely to be disruptive. Consensus agreement among computation tools predict no significant impact on normal splicing. However, these predictions have yet to be confirmed by functional studies. The variant was absent in 55336 control chromosomes. c.248T>C has been reported in the literature in individuals affected with Ocular albinism (Moon_2021, Wei_2022, Wang_2019, internal data). These data indicate that the variant may be associated with disease. To our knowledge, no experimental evidence demonstrating an impact on protein function has been reported. The following publications have been ascertained in the context of this evaluation (PMID: 35052368, 31106028, 34838614). ClinVar contains an entry for this variant (Variation ID: 2506170). Based on the evidence outlined above, the variant was classified as likely pathogenic.

Labcorp Genetics (formerly Invitae), Labcorp
Classification: Likely pathogenic. Last evaluated: 2025-05-13. Review status: criteria provided, single submitter. Criteria: Invitae Variant Classification Sherloc (09022015). Collection method: clinical testing. Allele origin: germline.
Comment: This sequence change replaces leucine, which is neutral and non-polar, with proline, which is neutral and non-polar, at codon 83 of the GPR143 protein (p.Leu83Pro). This variant is not present in population databases (gnomAD no frequency). This missense change has been observed in individuals with clinical features of ocular albinism and/or nystagmus (PMID: 31106028, 34838614, 35052368; internal data). ClinVar contains an entry for this variant (Variation ID: 2506170). Invitae Evidence Modeling of protein sequence and biophysical properties (such as structural, functional, and spatial information, amino acid conservation, physicochemical variation, residue mobility, and thermodynamic stability) indicates that this missense variant is expected to disrupt GPR143 protein function with a positive predictive value of 95%. In summary, the currently available evidence indicates that the variant is pathogenic, but additional data are needed to prove that conclusively. Therefore, this variant has been classified as Likely Pathogenic.

Literature cited by the submitters: PubMed 31106028 (cited by Women's Health and Genetics/Laboratory Corporation of America, LabCorp and Labcorp Genetics (formerly Invitae), Labcorp); PubMed 35052368 (cited by Women's Health and Genetics/Laboratory Corporation of America, LabCorp and Labcorp Genetics (formerly Invitae), Labcorp); PubMed 34838614 (cited by Women's Health and Genetics/Laboratory Corporation of America, LabCorp and Labcorp Genetics (formerly Invitae), Labcorp).

NM_000273.3(GPR143):c.248T>C (p.Leu83Pro)

Gene: GPR143 (G protein-coupled receptor 143; minus strand). Cytogenetic location: Xp22.2.
Variant type: single nucleotide variant.
Coding change: c.248T>C on transcript NM_000273.3 (MANE Select); coding-DNA position 248, T replaced by C.
Protein change: p.Leu83Pro; replaces leucine 83 with proline.
Molecular consequence: missense variant.
Genome position (GRCh38, 1-based): chrX:9,765,570, A>G on the plus strand (T>C on the coding strand, the complement: GPR143 is on the minus strand). VCF-style: chrX-9765570-A-G. GRCh37 (hg19) VCF-style: chrX-9733610-A-G.
Other names: short protein forms L83P.
Identifiers: ClinVar variation 2506170 (VCV002506170.4), dbSNP rs2518641943, ClinGen allele CA412000330.